The following is an entry in ClinVar:

NM_001283009.2(RTEL1):c.2268G>A (p.Met756Ile)

Genes: RTEL1 (regulator of telomere elongation helicase 1; plus strand), RTEL1-TNFRSF6B (RTEL1-TNFRSF6B readthrough (NMD candidate); plus strand). Cytogenetic location: 20q13.33.
Variant type: single nucleotide variant.
Coding change: c.2268G>A on transcript NM_001283009.2 (MANE Select); coding-DNA position 2268, G replaced by A.
Protein change: p.Met756Ile; replaces methionine 756 with isoleucine.
Molecular consequence: missense variant. On other transcripts: non-coding transcript variant (1).
Genome position (GRCh38, 1-based): chr20:63,690,296, G>A. VCF-style: chr20-63690296-G-A. GRCh37 (hg19) VCF-style: chr20-62321649-G-A.
Other names: c.1599G>A, p.Met533Ile (NM_001283010.1); c.2268G>A, p.Met756Ile (NM_016434.4); c.2340G>A, p.Met780Ile (NM_032957.5); short protein forms M780I, M756I, M533I.
Identifiers: ClinVar variation 2188403 (VCV002188403.5), dbSNP rs938432778, ClinGen allele CA317515920.

ClinVar aggregate classification (germline): Uncertain significance. Review status: criteria provided, multiple submitters, no conflicts (2 of 4 stars). 2 submissions from 2 submitters: Uncertain significance (2). Last evaluated 2025-10-14.

Conditions:
Pulmonary fibrosis and/or bone marrow failure, Telomere-related, 3. Also called: PULMONARY FIBROSIS AND/OR BONE MARROW FAILURE SYNDROME, TELOMERE-RELATED, 3. Identifiers: Orphanet 2032, MedGen C4225346, MONDO:0014613, OMIM 616373.
Dyskeratosis congenita, autosomal recessive 5 (DKCB5). Identifiers: MedGen C3554656, MONDO:0014076, OMIM 615190.
Inborn genetic diseases. Identifiers: MedGen C0950123, MeSH D030342.

Submissions (2):

Ambry Genetics
Classification: Uncertain significance for Inborn genetic diseases. Last evaluated: 2025-10-14. Review status: criteria provided, single submitter. Criteria: Ambry Variant Classification Scheme 2023. Collection method: clinical testing. Allele origin: germline.
Comment: The p.M756I variant (also known as c.2268G>A), located in coding exon 25 of the RTEL1 gene, results from a G to A substitution at nucleotide position 2268. The methionine at codon 756 is replaced by isoleucine, an amino acid with highly similar properties. This amino acid position is conserved. In addition, the in silico prediction for this alteration is inconclusive. Based on the available evidence, the clinical significance of this variant remains unclear.

Labcorp Genetics (formerly Invitae), Labcorp
Classification: Uncertain significance for Dyskeratosis congenita, autosomal recessive 5; Pulmonary fibrosis and/or bone marrow failure, Telomere-related, 3. Last evaluated: 2023-12-14. Review status: criteria provided, single submitter. Criteria: Invitae Variant Classification Sherloc (09022015). Collection method: clinical testing. Allele origin: germline.
Comment: This sequence change replaces methionine, which is neutral and non-polar, with isoleucine, which is neutral and non-polar, at codon 756 of the RTEL1 protein (p.Met756Ile). This variant is not present in population databases (gnomAD no frequency). This variant has not been reported in the literature in individuals affected with RTEL1-related conditions. ClinVar contains an entry for this variant (Variation ID: 2188403). An algorithm developed to predict the effect of missense changes on protein structure and function (PolyPhen-2) suggests that this variant is likely to be tolerated. In summary, the available evidence is currently insufficient to determine the role of this variant in disease. Therefore, it has been classified as a Variant of Uncertain Significance.